The following is an entry in ClinVar:

ClinVar aggregate classification (germline): Uncertain significance (1 of 4 stars; one submission).

Conditions:
Hereditary cancer-predisposing syndrome. Also called: Tumor predisposition; Neoplastic Syndromes, Hereditary; Hereditary neoplastic syndrome; Hereditary Cancer Syndrome. Identifiers: Orphanet 140162, MedGen C0027672, MeSH D009386, MONDO:0015356.

Submission:

Ambry Genetics
Classification: Uncertain significance for Hereditary cancer-predisposing syndrome. Last evaluated: 2025-08-27. Review status: criteria provided, single submitter. Criteria: Ambry Variant Classification Scheme 2023. Collection method: clinical testing. Allele origin: germline.
Comment: The p.R417L variant (also known as c.1250G>T), located in coding exon 13 of the MUTYH gene, results from a G to T substitution at nucleotide position 1250. The arginine at codon 417 is replaced by leucine, an amino acid with dissimilar properties. This amino acid position is conserved. In addition, this alteration is predicted to be tolerated by in silico analysis. Based on the available evidence, the clinical significance of this variant remains unclear.

NM_001048174.2(MUTYH):c.1166G>T (p.Arg389Leu)

Gene: MUTYH (mutY DNA glycosylase; minus strand). Cytogenetic location: 1p34.1.
Variant type: single nucleotide variant.
Coding change: c.1166G>T on transcript NM_001048174.2 (MANE Select); coding-DNA position 1166, G replaced by T.
Protein change: p.Arg389Leu; replaces arginine 389 with leucine.
Molecular consequence: missense variant. On other transcripts: non-coding transcript variant (7).
Genome position (GRCh38, 1-based): chr1:45,331,493, C>A on the plus strand (G>T on the coding strand, the complement: MUTYH is on the minus strand). VCF-style: chr1-45331493-C-A. GRCh37 (hg19) VCF-style: chr1-45797165-C-A.
Other names: c.1166G>T, p.Arg389Leu (NM_001048171.2, NM_001048173.2, NM_001293195.2 and 6 more transcripts); c.1169G>T, p.Arg390Leu (NM_001048172.2, NM_001407071.1, NM_001407078.1 and 1 more transcripts); c.1250G>T, p.Arg417Leu (NM_001128425.2); c.1211G>T, p.Arg404Leu (NM_001293190.2); c.1199G>T, p.Arg400Leu (NM_001293191.2, NM_001407069.1, NM_001407077.1); c.890G>T, p.Arg297Leu (NM_001293192.2, NM_001293196.2, NM_001407091.1); c.821G>T, p.Arg274Leu (NM_001350650.2, NM_001350651.2, NM_001407082.1); c.1082G>T, p.Arg361Leu (NM_001407075.1); and 5 more; short protein forms R297L, R361L, R390L, R400L, R375L, R403L, R404L, R417L.
Identifiers: ClinVar variation 4113129 (VCV004113129.1).
Genomic context (GRCh38, chr1:45,331,493, plus strand): 5'-CGGAGGTGCGTGGCTGGGAGGGGCCCAGCCCAACGCTGTAGTTCCTGCAGCAGGGCCTTG[C>A]GCTGAAGCTGCTCTGAGGGCTCCCAGGTCACGGACGGGAACTCCCACAGTCCTGCCAGCA-3'
Protein context (NP_001041639.1, residues 379-399): VTWEPSEQLQ[Arg389Leu]KALLQELQRW